The following is an entry in ClinVar:

NM_000256.3(MYBPC3):c.1709A>G (p.Asp570Gly)

Gene: MYBPC3 (myosin binding protein C3; minus strand). Cytogenetic location: 11p11.2.
Variant type: single nucleotide variant.
Coding change: c.1709A>G on transcript NM_000256.3 (MANE Select); coding-DNA position 1709, A replaced by G.
Protein change: p.Asp570Gly; replaces aspartic acid 570 with glycine.
Molecular consequence: missense variant.
Genome position (GRCh38, 1-based): chr11:47,342,072, T>C on the plus strand (A>G on the coding strand, the complement: MYBPC3 is on the minus strand). VCF-style: chr11-47342072-T-C. GRCh37 (hg19) VCF-style: chr11-47363623-T-C.
Other names: short protein forms D570G.
Identifiers: ClinVar variation 2010918 (VCV002010918.4), dbSNP rs2495761298, ClinGen allele CA380324323.

ClinVar aggregate classification (germline): Uncertain significance (1 of 4 stars; one submission).

Conditions:
Hypertrophic cardiomyopathy. Also called: HYPERTROPHIC MYOCARDIOPATHY. Identifiers: Orphanet 217569, MedGen C0007194, MeSH D002312, MONDO:0005045, HP:0001639.

Submission:

Labcorp Genetics (formerly Invitae), Labcorp
Classification: Uncertain significance for Hypertrophic cardiomyopathy. Last evaluated: 2022-06-26. Review status: criteria provided, single submitter. Criteria: Invitae Variant Classification Sherloc (09022015). Collection method: clinical testing. Allele origin: germline.
Comment: This variant is not present in population databases (gnomAD no frequency). In summary, the available evidence is currently insufficient to determine the role of this variant in disease. Therefore, it has been classified as a Variant of Uncertain Significance. Algorithms developed to predict the effect of sequence changes on RNA splicing suggest that this variant may disrupt the consensus splice site. Algorithms developed to predict the effect of missense changes on protein structure and function (SIFT, PolyPhen-2, Align-GVGD) all suggest that this variant is likely to be disruptive. This variant has not been reported in the literature in individuals affected with MYBPC3-related conditions. This sequence change replaces aspartic acid, which is acidic and polar, with glycine, which is neutral and non-polar, at codon 570 of the MYBPC3 protein (p.Asp570Gly).